The following is an entry in ClinVar:

NM_206933.4(USH2A):c.5485C>T (p.Gln1829Ter)

Genes: USH2A (usherin; minus strand), USH2A-AS2 (USH2A antisense RNA 2; plus strand). Cytogenetic location: 1q41.
Variant type: single nucleotide variant.
Coding change: c.5485C>T on transcript NM_206933.4 (MANE Select); coding-DNA position 5485, C replaced by T.
Protein change: p.Gln1829Ter; replaces glutamine 1829 with a stop codon.
Molecular consequence: nonsense.
Genome position (GRCh38, 1-based): chr1:216,078,176, G>A on the plus strand (C>T on the coding strand, the complement: USH2A is on the minus strand). VCF-style: chr1-216078176-G-A. GRCh37 (hg19) VCF-style: chr1-216251518-G-A.
Other names: c.5485C>T (NM_206933.2); short protein forms Q1829*.
Identifiers: ClinVar variation 1073394 (VCV001073394.9), dbSNP rs2102554289, ClinGen allele CA344855988.

ClinVar aggregate classification (germline): Pathogenic/Likely pathogenic. Review status: criteria provided, multiple submitters, no conflicts (2 of 4 stars). 3 submissions from 3 submitters: Pathogenic (2); Likely pathogenic (1). Last evaluated 2024-09-26.

Conditions:
Retinitis pigmentosa 39 (RP39). Identifiers: Orphanet 791, MedGen C3151138, MONDO:0013436, OMIM 613809.

Submissions (3):

GeneDx
Classification: Pathogenic. Last evaluated: 2024-09-26. Review status: criteria provided, single submitter. Criteria: GeneDx Variant Classification Process June 2021. Collection method: clinical testing. Allele origin: germline. Affected: yes.
Comment: Identified with a second variant, phase unknown, in a patient with retinitis pigmentosa in published literature (PMID: 32188678); Nonsense variant predicted to result in protein truncation or nonsense mediated decay in a gene for which loss of function is a known mechanism of disease; Not observed at significant frequency in large population cohorts (gnomAD); This variant is associated with the following publications: (PMID: 33124170, 32675063, 32188678)

Baylor Genetics
Classification: Likely pathogenic for Retinitis pigmentosa 39. Last evaluated: 2023-09-01. Review status: criteria provided, single submitter. Criteria: ACMG Guidelines, 2015. Collection method: clinical testing. Allele origin: unknown.

Labcorp Genetics (formerly Invitae), Labcorp
Classification: Pathogenic. Last evaluated: 2022-11-22. Review status: criteria provided, single submitter. Criteria: Invitae Variant Classification Sherloc (09022015). Collection method: clinical testing. Allele origin: germline.
Comment: This variant is not present in population databases (gnomAD no frequency). For these reasons, this variant has been classified as Pathogenic. ClinVar contains an entry for this variant (Variation ID: 1073394). This variant has not been reported in the literature in individuals affected with USH2A-related conditions. This sequence change creates a premature translational stop signal (p.Gln1829*) in the USH2A gene. It is expected to result in an absent or disrupted protein product. Loss-of-function variants in USH2A are known to be pathogenic (PMID: 10729113, 10909849, 20507924, 25649381).

Literature cited by the submitters: PubMed 10729113 (cited by Labcorp Genetics (formerly Invitae), Labcorp); PubMed 10909849 (cited by Labcorp Genetics (formerly Invitae), Labcorp); PubMed 20507924 (cited by Labcorp Genetics (formerly Invitae), Labcorp); PubMed 25649381 (cited by Labcorp Genetics (formerly Invitae), Labcorp).